The following is an entry in ClinVar:

NM_000136.3(FANCC):c.694A>T (p.Ile232Phe)

Genes: AOPEP (aminopeptidase O (putative); plus strand), FANCC (FA complementation group C; minus strand). Cytogenetic location: 9q22.32.
Variant type: single nucleotide variant.
Coding change: c.694A>T on transcript NM_000136.3 (MANE Select); coding-DNA position 694, A replaced by T.
Protein change: p.Ile232Phe; replaces isoleucine 232 with phenylalanine.
Molecular consequence: missense variant.
Genome position (GRCh38, 1-based): chr9:95,135,495, T>A on the plus strand (A>T on the coding strand, the complement: FANCC is on the minus strand). VCF-style: chr9-95135495-T-A. GRCh37 (hg19) VCF-style: chr9-97897777-T-A.
Other names: c.694A>T, p.Ile232Phe (NM_001243743.2, NM_001243744.2); short protein forms I232F.
Identifiers: ClinVar variation 4741491 (VCV004741491.1).

ClinVar aggregate classification (germline): Uncertain significance (1 of 4 stars; one submission).

Conditions:
Fanconi anemia (FA). Also called: Fanconi's anemia. Identifiers: Orphanet 84, MedGen C0015625, MeSH D005199, MONDO:0019391.

Submission:

Labcorp Genetics (formerly Invitae), Labcorp
Classification: Uncertain significance for Fanconi anemia. Last evaluated: 2025-11-18. Review status: criteria provided, single submitter. Criteria: Invitae Variant Classification Sherloc (09022015). Collection method: clinical testing. Allele origin: germline.
Comment: This sequence change replaces isoleucine, which is neutral and non-polar, with phenylalanine, which is neutral and non-polar, at codon 232 of the FANCC protein (p.Ile232Phe). This variant is not present in population databases (gnomAD no frequency). This variant has not been reported in the literature in individuals affected with FANCC-related conditions. Invitae Evidence Modeling of protein sequence and biophysical properties (such as structural, functional, and spatial information, amino acid conservation, physicochemical variation, residue mobility, and thermodynamic stability) indicates that this missense variant is expected to disrupt FANCC protein function with a positive predictive value of 80%. In summary, the available evidence is currently insufficient to determine the role of this variant in disease. Therefore, it has been classified as a Variant of Uncertain Significance.